The following is an entry in ClinVar:

NM_005228.5(EGFR):c.3383C>T (p.Pro1128Leu)

Gene: EGFR (epidermal growth factor receptor; plus strand). Cytogenetic location: 7p11.2.
Variant type: single nucleotide variant.
Coding change: c.3383C>T on transcript NM_005228.5 (MANE Select); coding-DNA position 3383, C replaced by T.
Protein change: p.Pro1128Leu; replaces proline 1128 with leucine.
Molecular consequence: missense variant.
Genome position (GRCh38, 1-based): chr7:55,205,367, C>T. VCF-style: chr7-55205367-C-T. GRCh37 (hg19) VCF-style: chr7-55273060-C-T.
Other names: c.3248C>T, p.Pro1083Leu (NM_001346899.2); c.3224C>T, p.Pro1075Leu (NM_001346900.2); c.2582C>T, p.Pro861Leu (NM_001346941.2); short protein forms P1128L, P1083L, P1075L, P861L.
Identifiers: ClinVar variation 4247279 (VCV004247279.1).

ClinVar aggregate classification (germline): Uncertain significance (1 of 4 stars; one submission).

Conditions:
Hereditary cancer-predisposing syndrome. Also called: Hereditary Cancer Syndrome; Hereditary neoplastic syndrome; Neoplastic Syndromes, Hereditary; Tumor predisposition. Identifiers: Orphanet 140162, MedGen C0027672, MeSH D009386, MONDO:0015356.

Submission:

Ambry Genetics
Classification: Uncertain significance for Hereditary cancer-predisposing syndrome. Last evaluated: 2025-06-22. Review status: criteria provided, single submitter. Criteria: Ambry Variant Classification Scheme 2023. Collection method: clinical testing. Allele origin: germline.
Comment: The p.P1128L variant (also known as c.3383C>T), located in coding exon 28 of the EGFR gene, results from a C to T substitution at nucleotide position 3383. The proline at codon 1128 is replaced by leucine, an amino acid with similar properties. This amino acid position is conserved. In addition, this alteration is predicted to be tolerated by in silico analysis. Based on the available evidence, the clinical significance of this variant remains unclear.